The following is an entry in ClinVar:

ClinVar aggregate classification (germline): Uncertain significance (1 of 4 stars; one submission).

Conditions:
Familial adenomatous polyposis 1 (FAP1). Also called: FAMILIAL ADENOMATOUS POLYPOSIS 1, ATTENUATED; POLYPOSIS, ADENOMATOUS INTESTINAL. Identifiers: MedGen C2713442, MONDO:0021056, OMIM 175100. Disease mechanism: loss of function.

Submission:

Labcorp Genetics (formerly Invitae), Labcorp
Classification: Uncertain significance for Familial adenomatous polyposis 1. Last evaluated: 2025-07-03. Review status: criteria provided, single submitter. Criteria: Invitae Variant Classification Sherloc (09022015). Collection method: clinical testing. Allele origin: germline.
Comment: This variant occurs in a non-coding region of the APC gene. It does not change the encoded amino acid sequence of the APC protein. This variant is not present in population databases (gnomAD no frequency). This variant has not been reported in the literature in individuals affected with APC-related conditions. Experimental studies and prediction algorithms are not available or were not evaluated, and the functional significance of this variant is currently unknown. In summary, the available evidence is currently insufficient to determine the role of this variant in disease. Therefore, it has been classified as a Variant of Uncertain Significance.

NC_000005.10:g.112707356C>T

Gene: APC (APC regulator of Wnt signaling pathway; plus strand). Cytogenetic location: 5q22.2.
Variant type: single nucleotide variant.
Genome position: GRCh38 VCF-style: chr5-112707356-C-T. GRCh37 (hg19) VCF-style: chr5-112043053-C-T.
Identifiers: ClinVar variation 1498337 (VCV001498337.6), dbSNP rs2149628125, ClinGen allele CA2573138738.
Genomic context (GRCh38, chr5:112,707,356, plus strand): 5'-GGATCTATTAACTGGGCTGCAGCACAATTCAGAGAAGGCCAGTAAGTGCTGCAACTGAGA[C>T]TCGGCTGCCTAGGCAGCAATGGCTCACGGGACAGAACAGCGAAGCAGTGCCCGGCAAGCG-3'